The following is an entry in ClinVar:

ClinVar aggregate classification (germline): Uncertain significance. Review status: criteria provided, multiple submitters, no conflicts (2 of 4 stars). 3 submissions from 3 submitters: Uncertain significance (3). Last evaluated 2024-09-13.

Conditions:
Anemia, nonspherocytic hemolytic, due to G6PD deficiency (CNSHA1). Also called: Hemolytic anemia due to G6PD deficiency; ANEMIA, CONGENITAL, NONSPHEROCYTIC HEMOLYTIC, 1; Class I glucose-6-phosphate dehydrogenase deficiency; Favism, susceptibility to. Identifiers: Orphanet 466026, MedGen C2720289, MONDO:0010480, OMIM 300908.

Allele frequency attached by ClinVar (database versions not stated): gnomAD exomes below 0.00001 and 0.00002; ExAC 0.00002; TOPMed 0.00006; gnomAD 0.00007 and 0.00009.
gnomAD v4.1: 9 of 1,209,306 alleles (0.00074%); highest among the groups gnomAD compares: African/African-American, 0.016%; no homozygotes.

Submissions (3):

Labcorp Genetics (formerly Invitae), Labcorp
Classification: Uncertain significance for Anemia, nonspherocytic hemolytic, due to G6PD deficiency. Last evaluated: 2024-09-13. Review status: criteria provided, single submitter. Criteria: Invitae Variant Classification Sherloc (09022015). Collection method: clinical testing. Allele origin: germline.
Comment: This sequence change replaces lysine, which is basic and polar, with glutamine, which is neutral and polar, at codon 82 of the G6PD protein (p.Lys82Gln). This variant is present in population databases (rs782065240, gnomAD 0.02%). This variant has not been reported in the literature in individuals affected with G6PD-related conditions. ClinVar contains an entry for this variant (Variation ID: 1163786). An algorithm developed to predict the effect of missense changes on protein structure and function outputs the following: PolyPhen-2: "Benign". The glutamine amino acid residue is found in multiple mammalian species, which suggests that this missense change does not adversely affect protein function. In summary, the available evidence is currently insufficient to determine the role of this variant in disease. Therefore, it has been classified as a Variant of Uncertain Significance.

Women's Health and Genetics/Laboratory Corporation of America, LabCorp
Classification: Uncertain significance. Last evaluated: 2023-06-02. Review status: criteria provided, single submitter. Criteria: LabCorp Variant Classification Summary - May 2015. Collection method: clinical testing. Allele origin: germline.
Comment: Variant summary: G6PD c.334A>C (p.Lys112Gln) results in a conservative amino acid change located in the Glucose-6-phosphate dehydrogenase, NAD-binding (IPR022674) of the encoded protein sequence. Four of five in-silico tools predict a benign effect of the variant on protein function. The variant allele was found at a frequency of 2.2e-05 in 182966 control chromosomes (gnomAD). The available data on variant occurrences in the general population are insufficient to allow any conclusion about variant significance. To our knowledge, no occurrence of c.334A>C in individuals affected with Glucose 6 Phosphate Dehydrogenase Deficiency and no experimental evidence demonstrating its impact on protein function have been reported. Two clinical diagnostic laboratories have submitted clinical-significance assessments for this variant to ClinVar after 2014, and classified it as uncertain significance. Based on the evidence outlined above, the variant was classified as uncertain significance.

Mayo Clinic Laboratories, Mayo Clinic
Classification: Uncertain significance. Last evaluated: 2020-03-12. Review status: criteria provided, single submitter. Criteria: ACMG Guidelines, 2015. Collection method: clinical testing. Allele origin: germline. Observed: 1 variant allele.

NM_001360016.2(G6PD):c.244A>C (p.Lys82Gln)

Gene: G6PD (glucose-6-phosphate dehydrogenase; minus strand). Cytogenetic location: Xq28.
Variant type: single nucleotide variant.
Coding change: c.244A>C on transcript NM_001360016.2 (MANE Select); coding-DNA position 244, A replaced by C.
Protein change: p.Lys82Gln; replaces lysine 82 with glutamine.
Molecular consequence: missense variant.
Genome position (GRCh38, 1-based): chrX:154,535,960, T>G on the plus strand (A>C on the coding strand, the complement: G6PD is on the minus strand). VCF-style: chrX-154535960-T-G. GRCh37 (hg19) VCF-style: chrX-153764175-T-G.
Other names: c.334A>C, p.Lys112Gln (NM_000402.4); c.244A>C, p.Lys82Gln (NM_001042351.3); short protein forms K112Q, K82Q.
Identifiers: ClinVar variation 1163786 (VCV001163786.10), dbSNP rs782065240, ClinGen allele CA10566295.